The following is an entry in ClinVar:

ClinVar aggregate classification (germline): Likely benign. Review status: criteria provided, multiple submitters, no conflicts (2 of 4 stars). 2 submissions from 2 submitters: Likely benign (2). Last evaluated 2018-06-14.

Allele frequency attached by ClinVar (database versions not stated): 1000 Genomes Project 0.00318; 1000 Genomes Project 30x 0.00333; gnomAD exomes 0.00652 and 0.01204; gnomAD 0.00684 and 0.00723; ExAC 0.00686; TOPMed 0.00724; ESP Exome Variant Server 0.00900.
gnomAD v4.1: 11,917 of 1,045,204 alleles (1.1%); highest among the groups gnomAD compares: Non-Finnish European, 1.5%; 64 homozygotes.

Submissions (2):

GeneDx
Classification: Likely benign. Last evaluated: 2018-06-14. Review status: criteria provided, single submitter. Criteria: GeneDx Variant Classification (06012015). Collection method: clinical testing. Allele origin: germline. Affected: yes.
Comment: This variant is considered likely benign or benign based on one or more of the following criteria: it is a conservative change, it occurs at a poorly conserved position in the protein, it is predicted to be benign by multiple in silico algorithms, and/or has population frequency not consistent with disease.

Breakthrough Genomics
Classification: Likely benign. Review status: criteria provided, single submitter. Criteria: ACMG Guidelines, 2015. Collection method: not provided. Allele origin: germline. Inheritance: X-linked inheritance. Affected: yes.

NM_004006.3(DMD):c.186+35A>T

Gene: DMD (dystrophin; minus strand). Cytogenetic location: Xp21.1.
Variant type: single nucleotide variant.
Coding change: c.186+35A>T on transcript NM_004006.3 (MANE Select); 35 bases into the intron after coding-DNA position 186, A replaced by T.
Molecular consequence: intron variant.
Genome position (GRCh38, 1-based): chrX:32,849,693, T>A on the plus strand (A>T on the coding strand, the complement: DMD is on the minus strand). VCF-style: chrX-32849693-T-A. GRCh37 (hg19) VCF-style: chrX-32867810-T-A.
Other names: c.162+35A>T (NM_000109.4); c.174+35A>T (NM_004009.3); c.-184+35A>T (NM_004010.3).
Identifiers: ClinVar variation 675710 (VCV000675710.2), dbSNP rs72470531, ClinGen allele CA10380241.